The following is an entry in ClinVar:

NM_016306.6(DNAJB11):c.160C>T (p.Pro54Ser)

Gene: DNAJB11 (DnaJ heat shock protein family (Hsp40) member B11; plus strand). Cytogenetic location: 3q27.3.
Variant type: single nucleotide variant.
Coding change: c.160C>T on transcript NM_016306.6 (MANE Select); coding-DNA position 160, C replaced by T.
Protein change: p.Pro54Ser; replaces proline 54 with serine.
Molecular consequence: missense variant. On other transcripts: non-coding transcript variant (6).
Genome position (GRCh38, 1-based): chr3:186,572,186, C>T. VCF-style: chr3-186572186-C-T. GRCh37 (hg19) VCF-style: chr3-186289975-C-T.
Other names: c.160C>T, p.Pro54Ser (NM_001378451.1); short protein forms P54S.
Identifiers: ClinVar variation 5010181 (VCV005010181.1).

ClinVar aggregate classification (germline): Uncertain significance (1 of 4 stars; one submission).

Conditions:
Polycystic kidney disease 6 with or without polycystic liver disease. Also called: Autosomal Dominant Polycystic Kidney Disease-DNAJB11. Identifiers: MedGen C4748044, MONDO:0054842, OMIM 618061.

Submission:

MVZ Medizinische Genetik Mainz
Classification: Uncertain significance for Polycystic kidney disease 6 with or without polycystic liver disease. Last evaluated: 2026-09-14. Review status: criteria provided, single submitter. Criteria: UK Practice Guidelines For Variant Classification V4 01 2020. Collection method: clinical testing. Allele origin: germline. Inheritance: Autosomal dominant inheritance. Affected: yes. Observed: 1 variant allele.
Comment: ACMG Criteria: PP3_MOD,PM1_SUP,PM2_SUP,PM5_SUP